The following is an entry in ClinVar:

ClinVar aggregate classification (germline): Uncertain significance (1 of 4 stars; one submission).

Allele frequency attached by ClinVar (database versions not stated): TOPMed below 0.00001.

Submission:

Labcorp Genetics (formerly Invitae), Labcorp
Classification: Uncertain significance. Last evaluated: 2022-09-02. Review status: criteria provided, single submitter. Criteria: Invitae Variant Classification Sherloc (09022015). Collection method: clinical testing. Allele origin: germline.
Comment: This sequence change replaces asparagine, which is neutral and polar, with aspartic acid, which is acidic and polar, at codon 3232 of the UNC80 protein (p.Asn3232Asp). This variant is not present in population databases (gnomAD no frequency). This variant has not been reported in the literature in individuals affected with UNC80-related conditions. Algorithms developed to predict the effect of missense changes on protein structure and function are either unavailable or do not agree on the potential impact of this missense change (SIFT: "Not Available"; PolyPhen-2: "Probably Damaging"; Align-GVGD: "Not Available"). In summary, the available evidence is currently insufficient to determine the role of this variant in disease. Therefore, it has been classified as a Variant of Uncertain Significance.

NM_001371986.1(UNC80):c.9892A>G (p.Asn3298Asp)

Gene: UNC80 (unc-80 subunit of NALCN channel complex; plus strand). Cytogenetic location: 2q34.
Variant type: single nucleotide variant.
Coding change: c.9892A>G on transcript NM_001371986.1 (MANE Select); coding-DNA position 9892, A replaced by G.
Protein change: p.Asn3298Asp; replaces asparagine 3298 with aspartic acid.
Molecular consequence: missense variant.
Genome position (GRCh38, 1-based): chr2:209,995,512, A>G. VCF-style: chr2-209995512-A-G. GRCh37 (hg19) VCF-style: chr2-210860236-A-G.
Other names: c.9694A>G, p.Asn3232Asp (NM_032504.2); c.9622A>G, p.Asn3208Asp (NM_182587.4); short protein forms N3208D, N3298D, N3232D.
Identifiers: ClinVar variation 1967377 (VCV001967377.5), dbSNP rs1188745026, ClinGen allele CA350416534.